The following is an entry in ClinVar:

NM_022051.3(EGLN1):c.8A>G (p.Asn3Ser)

Gene: EGLN1 (egl-9 family hypoxia inducible factor 1; minus strand). Cytogenetic location: 1q42.2.
Variant type: single nucleotide variant.
Coding change: c.8A>G on transcript NM_022051.3 (MANE Select); coding-DNA position 8, A replaced by G.
Protein change: p.Asn3Ser; replaces asparagine 3 with serine.
Molecular consequence: missense variant.
Genome position (GRCh38, 1-based): chr1:231,421,881, T>C on the plus strand (A>G on the coding strand, the complement: EGLN1 is on the minus strand). VCF-style: chr1-231421881-T-C. GRCh37 (hg19) VCF-style: chr1-231557627-T-C.
Other names: c.8A>G, p.Asn3Ser (NM_001377260.1, NM_001377261.1); short protein forms N3S.
Identifiers: ClinVar variation 954951 (VCV000954951.7), dbSNP rs879573663, ClinGen allele CA38949163.

ClinVar aggregate classification (germline): Uncertain significance. Review status: criteria provided, multiple submitters, no conflicts (2 of 4 stars). 2 submissions from 2 submitters: Uncertain significance (2). Last evaluated 2025-10-01.

Conditions:
Erythrocytosis, familial, 3 (ECYT3). Identifiers: Orphanet 247511, MedGen C1853286, MONDO:0012353, OMIM 609820.

Allele frequency attached by ClinVar (database versions not stated): gnomAD exomes 0.00002 and 0.00006; TOPMed 0.00004; gnomAD 0.00005 and 0.00006.
gnomAD v4.1: 86 of 1,482,200 alleles (0.0058%); highest among the groups gnomAD compares: Non-Finnish European, 0.0067%; 1 homozygote.

Submissions (2):

Labcorp Genetics (formerly Invitae), Labcorp
Classification: Uncertain significance for Erythrocytosis, familial, 3. Last evaluated: 2025-10-01. Review status: criteria provided, single submitter. Criteria: Invitae Variant Classification Sherloc (09022015). Collection method: clinical testing. Allele origin: germline.
Comment: This sequence change replaces asparagine, which is neutral and polar, with serine, which is neutral and polar, at codon 3 of the EGLN1 protein (p.Asn3Ser). This variant is present in population databases (no rsID available, gnomAD 0.02%). This variant has not been reported in the literature in individuals affected with EGLN1-related conditions. ClinVar contains an entry for this variant (Variation ID: 954951). An algorithm developed to predict the effect of missense changes on protein structure and function outputs the following: PolyPhen-2: "Benign". The serine amino acid residue is found in multiple mammalian species, which suggests that this missense change does not adversely affect protein function. In summary, the available evidence is currently insufficient to determine the role of this variant in disease. Therefore, it has been classified as a Variant of Uncertain Significance.

Ambry Genetics
Classification: Uncertain significance. Last evaluated: 2024-12-20. Review status: criteria provided, single submitter. Criteria: Ambry Variant Classification Scheme 2023. Collection method: clinical testing. Allele origin: germline.